The following is an entry in ClinVar:

ClinVar aggregate classification (germline): Uncertain significance. Review status: criteria provided, multiple submitters, no conflicts (2 of 4 stars). 3 submissions from 3 submitters: Uncertain significance (3). Last evaluated 2026-02-07.

Conditions:
Inborn genetic diseases. Identifiers: MedGen C0950123, MeSH D030342.
Cortical dysplasia-focal epilepsy syndrome (PTHSL1). Also called: Pitt-Hopkins-like syndrome 1. Identifiers: Orphanet 163681, Orphanet 221150, MedGen C2750246, MONDO:0012400, OMIM 610042.

Allele frequency attached by ClinVar (database versions not stated): 1000 Genomes Project 0.00020; 1000 Genomes Project 30x 0.00047.
gnomAD v4.1: 84 of 1,614,202 alleles (0.0052%); highest among the groups gnomAD compares: South Asian, 0.083%; no homozygotes.

Submissions (3):

GeneDx
Classification: Uncertain significance. Last evaluated: 2026-02-07. Review status: criteria provided, single submitter. Criteria: GeneDx Variant Classification Process June 2021. Collection method: clinical testing. Allele origin: germline.
Comment: In silico analysis supports that this missense variant has a deleterious effect on protein structure/function; Has not been previously published as pathogenic or benign to our knowledge

Ambry Genetics
Classification: Uncertain significance for Inborn genetic diseases. Last evaluated: 2023-06-05. Review status: criteria provided, single submitter. Criteria: Ambry Variant Classification Scheme 2023. Collection method: clinical testing. Allele origin: germline.

Labcorp Genetics (formerly Invitae), Labcorp
Classification: Uncertain significance for Cortical dysplasia-focal epilepsy syndrome. Last evaluated: 2022-07-14. Review status: criteria provided, single submitter. Criteria: Invitae Variant Classification Sherloc (09022015). Collection method: clinical testing. Allele origin: germline.
Comment: This sequence change replaces arginine, which is basic and polar, with serine, which is neutral and polar, at codon 1288 of the CNTNAP2 protein (p.Arg1288Ser). This variant is present in population databases (rs138661307, gnomAD 0.1%). This variant has not been reported in the literature in individuals affected with CNTNAP2-related conditions. ClinVar contains an entry for this variant (Variation ID: 642998). Algorithms developed to predict the effect of missense changes on protein structure and function (SIFT, PolyPhen-2, Align-GVGD) all suggest that this variant is likely to be disruptive. Algorithms developed to predict the effect of sequence changes on RNA splicing suggest that this variant may create or strengthen a splice site. In summary, the available evidence is currently insufficient to determine the role of this variant in disease. Therefore, it has been classified as a Variant of Uncertain Significance.

NM_014141.6(CNTNAP2):c.3862C>A (p.Arg1288Ser)

Gene: CNTNAP2 (contactin associated protein 2; plus strand). Cytogenetic location: 7q36.1.
Variant type: single nucleotide variant.
Coding change: c.3862C>A on transcript NM_014141.6 (MANE Select); coding-DNA position 3862, C replaced by A.
Protein change: p.Arg1288Ser; replaces arginine 1288 with serine.
Molecular consequence: missense variant.
Genome position (GRCh38, 1-based): chr7:148,415,482, C>A. VCF-style: chr7-148415482-C-A. GRCh37 (hg19) VCF-style: chr7-148112574-C-A.
Other names: short protein forms R1288S.
Identifiers: ClinVar variation 642998 (VCV000642998.7), dbSNP rs138661307, ClinGen allele CA4546826.